The following is an entry in ClinVar:

ClinVar aggregate classification (germline): Uncertain significance (1 of 4 stars; one submission).

Conditions:
Cardiovascular phenotype. Identifiers: MedGen CN230736.

gnomAD v4.1: 1 of 1,613,682 alleles (0.000062%); highest among the groups gnomAD compares: Non-Finnish European, 0.000085%; no homozygotes.

Submission:

Molecular Diagnostic Laboratory for Inherited Cardiovascular Disease, Montreal Heart Institute
Classification: Uncertain significance for Cardiovascular phenotype. Last evaluated: 2026-03-27. Review status: criteria provided, single submitter. Criteria: ACMG Guidelines, 2015. Collection method: clinical testing. Allele origin: germline. Affected: yes.
Comment: PM2

NM_144573.4(NEXN):c.1547G>A (p.Arg516Lys)

Gene: NEXN (nexilin F-actin binding protein; plus strand). Cytogenetic location: 1p31.1.
Variant type: single nucleotide variant.
Coding change: c.1547G>A on transcript NM_144573.4 (MANE Select); coding-DNA position 1547, G replaced by A.
Protein change: p.Arg516Lys; replaces arginine 516 with lysine.
Molecular consequence: missense variant.
Genome position (GRCh38, 1-based): chr1:77,942,096, G>A. VCF-style: chr1-77942096-G-A. GRCh37 (hg19) VCF-style: chr1-78407781-G-A.
Other names: c.1355G>A, p.Arg452Lys (NM_001172309.2); short protein forms R452K, R516K.
Identifiers: ClinVar variation 4820370 (VCV004820370.1).